The following is an entry in ClinVar:

ClinVar aggregate classification (germline): Uncertain significance (1 of 4 stars; one submission).

Allele frequency attached by ClinVar (database versions not stated): gnomAD exomes below 0.00001 and 0.00001; TOPMed below 0.00001; ExAC 0.00001.
gnomAD v4.1: 2 of 1,602,870 alleles (0.00012%); highest among the groups gnomAD compares: Admixed American, 0.0033%; no homozygotes.

Submission:

Labcorp Genetics (formerly Invitae), Labcorp
Classification: Uncertain significance. Last evaluated: 2021-09-21. Review status: criteria provided, single submitter. Criteria: Invitae Variant Classification Sherloc (09022015). Collection method: clinical testing. Allele origin: germline.
Comment: This sequence change replaces glutamic acid with lysine at codon 85 of the NPHS2 protein (p.Glu85Lys). The glutamic acid residue is moderately conserved and there is a small physicochemical difference between glutamic acid and lysine. This variant is present in population databases (rs771625593, ExAC 0.009%). This variant has not been reported in the literature in individuals affected with NPHS2-related conditions. Algorithms developed to predict the effect of missense changes on protein structure and function are either unavailable or do not agree on the potential impact of this missense change (SIFT: "Tolerated"; PolyPhen-2: "Possibly Damaging"; Align-GVGD: "Class C0"). In summary, the available evidence is currently insufficient to determine the role of this variant in disease. Therefore, it has been classified as a Variant of Uncertain Significance.

NM_014625.4(NPHS2):c.253G>A (p.Glu85Lys)

Gene: NPHS2 (NPHS2 stomatin family member, podocin; minus strand). Cytogenetic location: 1q25.2.
Variant type: single nucleotide variant.
Coding change: c.253G>A on transcript NM_014625.4 (MANE Select); coding-DNA position 253, G replaced by A.
Protein change: p.Glu85Lys; replaces glutamic acid 85 with lysine.
Molecular consequence: missense variant.
Genome position (GRCh38, 1-based): chr1:179,575,612, C>T on the plus strand (G>A on the coding strand, the complement: NPHS2 is on the minus strand). VCF-style: chr1-179575612-C-T. GRCh37 (hg19) VCF-style: chr1-179544747-C-T.
Other names: c.253G>A, p.Glu85Lys (NM_001297575.2); short protein forms E85K.
Identifiers: ClinVar variation 1006647 (VCV001006647.2), dbSNP rs771625593, ClinGen allele CA1267289.